The following is an entry in ClinVar:

NM_020919.4(ALS2):c.3785C>T (p.Thr1262Ile)

Gene: ALS2 (alsin Rho guanine nucleotide exchange factor ALS2; minus strand). Cytogenetic location: 2q33.1.
Variant type: single nucleotide variant.
Coding change: c.3785C>T on transcript NM_020919.4 (MANE Select); coding-DNA position 3785, C replaced by T.
Protein change: p.Thr1262Ile; replaces threonine 1262 with isoleucine.
Molecular consequence: missense variant.
Genome position (GRCh38, 1-based): chr2:201,718,128, G>A on the plus strand (C>T on the coding strand, the complement: ALS2 is on the minus strand). VCF-style: chr2-201718128-G-A. GRCh37 (hg19) VCF-style: chr2-202582851-G-A.
Other names: short protein forms T1262I.
Identifiers: ClinVar variation 533746 (VCV000533746.8), dbSNP rs1553503506, ClinGen allele CA350317961.

ClinVar aggregate classification (germline): Uncertain significance (1 of 4 stars; one submission).

Conditions:
Infantile-onset ascending hereditary spastic paralysis (IAHSP). Also called: Infantile-Onset Ascending Hereditary Spastic Paralysis (IAHSP); Autosomal Recessive Juvenile Amyotrophic Lateral Sclerosis. Identifiers: Orphanet 293168, MedGen C2931441, MONDO:0011797, OMIM 607225. Disease mechanism: loss of function.

Allele frequency attached by ClinVar (database versions not stated): gnomAD exomes below 0.00001.
gnomAD v4.1: 3 of 1,613,708 alleles (0.00019%); highest among the groups gnomAD compares: South Asian, 0.0011%; no homozygotes.

Submission:

Labcorp Genetics (formerly Invitae), Labcorp
Classification: Uncertain significance for Infantile-onset ascending hereditary spastic paralysis. Last evaluated: 2022-11-15. Review status: criteria provided, single submitter. Criteria: Invitae Variant Classification Sherloc (09022015). Collection method: clinical testing. Allele origin: germline.
Comment: This variant has not been reported in the literature in individuals affected with ALS2-related conditions. This variant is not present in population databases (gnomAD no frequency). This sequence change replaces threonine, which is neutral and polar, with isoleucine, which is neutral and non-polar, at codon 1262 of the ALS2 protein (p.Thr1262Ile). ClinVar contains an entry for this variant (Variation ID: 533746). In summary, the available evidence is currently insufficient to determine the role of this variant in disease. Therefore, it has been classified as a Variant of Uncertain Significance. Advanced modeling of protein sequence and biophysical properties (such as structural, functional, and spatial information, amino acid conservation, physicochemical variation, residue mobility, and thermodynamic stability) performed at Invitae indicates that this missense variant is not expected to disrupt ALS2 protein function.